The following is an entry in ClinVar:

ClinVar aggregate classification (germline): Benign (1 of 4 stars; one submission).

Conditions:
Congenital brain dysgenesis due to glutamine synthetase deficiency (GLND). Also called: GLUTAMINE SYNTHASE DEFICIENCY, CONGENITAL SYSTEMIC. Identifiers: Orphanet 71278, MedGen C1864910, MONDO:0012393, OMIM 610015.

Allele frequency attached by ClinVar (database versions not stated): 1000 Genomes Project 30x 0.02202; 1000 Genomes Project 0.02556; TOPMed 0.00482.

Submission:

Illumina Laboratory Services, Illumina
Classification: Benign for Congenital brain dysgenesis due to glutamine synthetase deficiency. Last evaluated: 2018-01-12. Review status: criteria provided, single submitter. Criteria: ICSL Variant Classification Criteria 13 December 2019. Collection method: clinical testing. Allele origin: germline.
Comment: This variant was observed in the ICSL laboratory as part of a predisposition screen in an ostensibly healthy population. It had not been previously curated by ICSL or reported in the Human Gene Mutation Database (HGMD: prior to June 1st, 2018), and was therefore a candidate for classification through an automated scoring system. Utilizing variant allele frequency, disease prevalence and penetrance estimates, and inheritance mode, an automated score was calculated to assess if this variant is too frequent to cause the disease. Based on the score and internal cut-off values, a variant classified as benign is not then subjected to further curation. The score for this variant resulted in a classification of benign for this disease.

NM_002065.5(GLUL):c.-706C>T

Genes: GLUL (glutamate-ammonia ligase; minus strand), LOC129932057 (ATAC-STARR-seq lymphoblastoid silent region 1618; plus strand). Cytogenetic location: 1q25.3.
Variant type: single nucleotide variant.
Coding change: c.-706C>T on transcript NM_002065.5; 706 bases upstream of the start codon, C replaced by T.
Genome position (GRCh38, 1-based): chr1:182,392,015, G>A on the plus strand (C>T on the coding strand, the complement: GLUL is on the minus strand). VCF-style: chr1-182392015-G-A. GRCh37 (hg19) VCF-style: chr1-182361150-G-A.
Identifiers: ClinVar variation 293970 (VCV000293970.7), dbSNP rs60442279, ClinGen allele CA10608467.